The following is an entry in ClinVar:

NM_001040108.2(MLH3):c.2941G>C (p.Gly981Arg)

Gene: MLH3 (mutL homolog 3; minus strand). Cytogenetic location: 14q24.3.
Variant type: single nucleotide variant.
Coding change: c.2941G>C on transcript NM_001040108.2 (MANE Select); coding-DNA position 2941, G replaced by C.
Protein change: p.Gly981Arg; replaces glycine 981 with arginine.
Molecular consequence: missense variant.
Genome position (GRCh38, 1-based): chr14:75,046,715, C>G on the plus strand (G>C on the coding strand, the complement: MLH3 is on the minus strand). VCF-style: chr14-75046715-C-G. GRCh37 (hg19) VCF-style: chr14-75513418-C-G.
Other names: c.2941G>C, p.Gly981Arg (NM_014381.3); short protein forms G981R.
Identifiers: ClinVar variation 4108590 (VCV004108590.1).

ClinVar aggregate classification (germline): Uncertain significance (1 of 4 stars; one submission).

gnomAD v4.1: 1 of 1,614,064 alleles (0.000062%); highest among the groups gnomAD compares: South Asian, 0.0011%; no homozygotes.

Submission:

Ambry Genetics
Classification: Uncertain significance. Last evaluated: 2025-07-07. Review status: criteria provided, single submitter. Criteria: Ambry Variant Classification Scheme 2023. Collection method: clinical testing. Allele origin: germline.
Comment: The p.G981R variant (also known as c.2941G>C), located in coding exon 1 of the MLH3 gene, results from a G to C substitution at nucleotide position 2941. The glycine at codon 981 is replaced by arginine, an amino acid with dissimilar properties. This amino acid position is conserved. In addition, this alteration is predicted to be tolerated by in silico analysis. Based on the available evidence, the clinical significance of this variant remains unclear.